The following is an entry in ClinVar:

NM_003001.5(SDHC):c.124T>C (p.Trp42Arg)

Gene: SDHC (succinate dehydrogenase complex subunit C; plus strand). Cytogenetic location: 1q23.3.
Variant type: single nucleotide variant.
Coding change: c.124T>C on transcript NM_003001.5 (MANE Select); coding-DNA position 124, T replaced by C.
Protein change: p.Trp42Arg; replaces tryptophan 42 with arginine.
Molecular consequence: missense variant. On other transcripts: non-coding transcript variant (1), intron variant (4).
Genome position (GRCh38, 1-based): chr1:161,328,442, T>C. VCF-style: chr1-161328442-T-C. GRCh37 (hg19) VCF-style: chr1-161298232-T-C.
Other names: c.124T>C, p.Trp42Arg (NM_001035511.3, NM_001407115.1); c.67T>C, p.Trp23Arg (NM_001407116.1, NM_001407121.1, NM_001407117.1); c.13T>C, p.Trp5Arg (NM_001407119.1, NM_001407120.1); c.77+4772T>C (NM_001035512.3, NM_001278172.3, NM_001407118.1); c.21-12152T>C (NM_001035513.3); short protein forms W23R, W42R, W5R.
Identifiers: ClinVar variation 3438784 (VCV003438784.4).

ClinVar aggregate classification (germline): Uncertain significance. Review status: criteria provided, multiple submitters, no conflicts (2 of 4 stars). 2 submissions from 2 submitters: Uncertain significance (2). Last evaluated 2026-07-30.

Conditions:
Hereditary cancer-predisposing syndrome. Also called: Tumor predisposition; Hereditary Cancer Syndrome; Hereditary neoplastic syndrome; Neoplastic Syndromes, Hereditary. Identifiers: Orphanet 140162, MedGen C0027672, MeSH D009386, MONDO:0015356.
Pheochromocytoma/paraganglioma syndrome 3. Also called: GLOMUS TUMORS, FAMILIAL, 3; Paragangliomas 3; SDHC-Related Hereditary Paraganglioma-Pheochromocytoma Syndrome (Paragangliomas 3); SDHC-Related Hereditary Paraganglioma-Pheochromocytoma Syndrome. Identifiers: Orphanet 29072, MedGen C1854336, MONDO:0011544, OMIM 605373.
Gastrointestinal stromal tumor. Also called: Gastrointestinal stroma tumor; Gastrointestinal stromal tumor, somatic. Identifiers: Orphanet 44890, MedGen C0238198, MeSH D046152, MONDO:0011719, OMIM 606764, HP:0100723.

gnomAD v4.1: 1 of 1,614,000 alleles (0.000062%); highest among the groups gnomAD compares: East Asian, 0.0022%; no homozygotes.

Submissions (2):

Ambry Genetics
Classification: Uncertain significance for Hereditary cancer-predisposing syndrome. Last evaluated: 2026-07-30. Review status: criteria provided, single submitter. Criteria: Ambry Variant Classification Scheme 2023. Collection method: clinical testing. Allele origin: germline.
Comment: The p.W42R variant (also known as c.124T>C), located in coding exon 3 of the SDHC gene, results from a T to C substitution at nucleotide position 124. The tryptophan at codon 42 is replaced by arginine, an amino acid with dissimilar properties. This amino acid position is highly conserved in available vertebrate species. In addition, this alteration is predicted to be deleterious by in silico analysis. Based on the available evidence, the clinical significance of this variant remains unclear.

Labcorp Genetics (formerly Invitae), Labcorp
Classification: Uncertain significance for Pheochromocytoma/paraganglioma syndrome 3; Gastrointestinal stromal tumor. Last evaluated: 2024-05-28. Review status: criteria provided, single submitter. Criteria: Invitae Variant Classification Sherloc (09022015). Collection method: clinical testing. Allele origin: germline.
Comment: This sequence change replaces tryptophan, which is neutral and slightly polar, with arginine, which is basic and polar, at codon 42 of the SDHC protein (p.Trp42Arg). This variant is not present in population databases (gnomAD no frequency). This variant has not been reported in the literature in individuals affected with SDHC-related conditions. An algorithm developed to predict the effect of missense changes on protein structure and function (PolyPhen-2) suggests that this variant is likely to be disruptive. In summary, the available evidence is currently insufficient to determine the role of this variant in disease. Therefore, it has been classified as a Variant of Uncertain Significance.